The following is an entry in ClinVar:

NM_002098.6(GUCA1B):c.151G>A (p.Asp51Asn)

Gene: GUCA1B (guanylate cyclase activator 1B; minus strand). Cytogenetic location: 6p21.1.
Variant type: single nucleotide variant.
Coding change: c.151G>A on transcript NM_002098.6 (MANE Select); coding-DNA position 151, G replaced by A.
Protein change: p.Asp51Asn; replaces aspartic acid 51 with asparagine.
Molecular consequence: missense variant.
Genome position (GRCh38, 1-based): chr6:42,194,670, C>T on the plus strand (G>A on the coding strand, the complement: GUCA1B is on the minus strand). VCF-style: chr6-42194670-C-T. GRCh37 (hg19) VCF-style: chr6-42162408-C-T.
Other names: short protein forms D51N.
Identifiers: ClinVar variation 971723 (VCV000971723.9), dbSNP rs1332544198, ClinGen allele CA364113889.

ClinVar aggregate classification (germline): Uncertain significance (1 of 4 stars; one submission).

Allele frequency attached by ClinVar (database versions not stated): gnomAD exomes below 0.00001; TOPMed 0.00002.

Submission:

Labcorp Genetics (formerly Invitae), Labcorp
Classification: Uncertain significance. Last evaluated: 2025-12-31. Review status: criteria provided, single submitter. Criteria: Invitae Variant Classification Sherloc (09022015). Collection method: clinical testing. Allele origin: germline.
Comment: This sequence change replaces aspartic acid, which is acidic and polar, with asparagine, which is neutral and polar, at codon 51 of the GUCA1B protein (p.Asp51Asn). This variant is present in population databases (no rsID available, gnomAD 0.006%). This variant has not been reported in the literature in individuals affected with GUCA1B-related conditions. ClinVar contains an entry for this variant (Variation ID: 971723). An algorithm developed to predict the effect of missense changes on protein structure and function outputs the following: PolyPhen-2: "Benign". The asparagine amino acid residue is found in multiple mammalian species, which suggests that this missense change does not adversely affect protein function. In summary, the available evidence is currently insufficient to determine the role of this variant in disease. Therefore, it has been classified as a Variant of Uncertain Significance.